The following is an entry in ClinVar:

ClinVar aggregate classification (germline): Uncertain significance (1 of 4 stars; one submission).

Submission:

Labcorp Genetics (formerly Invitae), Labcorp
Classification: Uncertain significance. Last evaluated: 2024-10-23. Review status: criteria provided, single submitter. Criteria: Invitae Variant Classification Sherloc (09022015). Collection method: clinical testing. Allele origin: germline.
Comment: This sequence change replaces glycine, which is neutral and non-polar, with serine, which is neutral and polar, at codon 465 of the PCLO protein (p.Gly465Ser). This variant is not present in population databases (gnomAD no frequency). This variant has not been reported in the literature in individuals affected with PCLO-related conditions. ClinVar contains an entry for this variant (Variation ID: 2060528). An algorithm developed to predict the effect of missense changes on protein structure and function (PolyPhen-2) suggests that this variant is likely to be disruptive. In summary, the available evidence is currently insufficient to determine the role of this variant in disease. Therefore, it has been classified as a Variant of Uncertain Significance.

NM_033026.6(PCLO):c.1393G>A (p.Gly465Ser)

Gene: PCLO (piccolo presynaptic cytomatrix protein; minus strand). Cytogenetic location: 7q21.11.
Variant type: single nucleotide variant.
Coding change: c.1393G>A on transcript NM_033026.6 (MANE Select); coding-DNA position 1393, G replaced by A.
Protein change: p.Gly465Ser; replaces glycine 465 with serine.
Molecular consequence: missense variant.
Genome position (GRCh38, 1-based): chr7:83,155,248, C>T on the plus strand (G>A on the coding strand, the complement: PCLO is on the minus strand). VCF-style: chr7-83155248-C-T. GRCh37 (hg19) VCF-style: chr7-82784564-C-T.
Other names: c.1393G>A, p.Gly465Ser (NM_014510.3); short protein forms G465S.
Identifiers: ClinVar variation 2060528 (VCV002060528.4), dbSNP rs2484900506, ClinGen allele CA367914415.
Genomic context (GRCh38, chr7:83,155,248, plus strand): 5'-CAGGCTGTTGAGGTGGGGGCTTTGCTGGGCCAGGCAGTTGTGAAGGAGGCTTTGTTGGGC[C>T]AGTCTGCTGGGCAGAAGTCTTTCCGGGTCCTGCCTGTTGAGCTGGAATCTTTCCTGGCCC-3'
Protein context (NP_149015.2, residues 455-475): GPGKTSAQQT[Gly465Ser]PTKPPSQLPG